The following is an entry in ClinVar:

NM_001349884.2(DRAM2):c.638G>A (p.Trp213Ter)

Gene: DRAM2 (DNA damage regulated autophagy modulator 2; minus strand). Cytogenetic location: 1p13.3.
Variant type: single nucleotide variant.
Coding change: c.638G>A on transcript NM_001349884.2 (MANE Select); coding-DNA position 638, G replaced by A.
Protein change: p.Trp213Ter; replaces tryptophan 213 with a stop codon.
Molecular consequence: nonsense. On other transcripts: non-coding transcript variant (8).
Genome position (GRCh38, 1-based): chr1:111,118,860, C>T on the plus strand (G>A on the coding strand, the complement: DRAM2 is on the minus strand). VCF-style: chr1-111118860-C-T. GRCh37 (hg19) VCF-style: chr1-111661482-C-T.
Other names: c.638G>A, p.Trp213Ter (NM_001349881.2, NM_001349882.2, NM_001349885.2 and 1 more transcripts); c.368G>A, p.Trp123Ter (NM_001349886.2, NM_001349887.2, NM_001349888.2); c.248G>A, p.Trp83Ter (NM_001349889.2, NM_001349890.2, NM_001349891.2 and 2 more transcripts); short protein forms W123*, W213*, W83*.
Identifiers: ClinVar variation 1453413 (VCV001453413.6), dbSNP rs1649431626, ClinGen allele CA341818346.

ClinVar aggregate classification (germline): Pathogenic (1 of 4 stars; one submission).

gnomAD v4.1: 1 of 1,610,030 alleles (0.000062%); no homozygotes.

Submission:

Labcorp Genetics (formerly Invitae), Labcorp
Classification: Pathogenic. Last evaluated: 2023-07-03. Review status: criteria provided, single submitter. Criteria: Invitae Variant Classification Sherloc (09022015). Collection method: clinical testing. Allele origin: germline.
Comment: This sequence change creates a premature translational stop signal (p.Trp213*) in the DRAM2 gene. It is expected to result in an absent or disrupted protein product. Loss-of-function variants in DRAM2 are known to be pathogenic (PMID: 25983245). This variant is not present in population databases (gnomAD no frequency). This variant has not been reported in the literature in individuals affected with DRAM2-related conditions. ClinVar contains an entry for this variant (Variation ID: 1453413). For these reasons, this variant has been classified as Pathogenic.

Literature cited by the submitters: PubMed 25983245.